The following is an entry in ClinVar:

NM_198075.4(LRRC56):c.1103C>T (p.Thr368Ile)

Gene: LRRC56 (leucine rich repeat containing 56; plus strand). Cytogenetic location: 11p15.5.
Variant type: single nucleotide variant.
Coding change: c.1103C>T on transcript NM_198075.4 (MANE Select); coding-DNA position 1103, C replaced by T.
Protein change: p.Thr368Ile; replaces threonine 368 with isoleucine.
Molecular consequence: missense variant.
Genome position (GRCh38, 1-based): chr11:552,154, C>T. VCF-style: chr11-552154-C-T. GRCh37 (hg19) VCF-style: chr11-552154-C-T.
Other names: c.1103C>T (NM_198075.3); short protein forms T368I.
Identifiers: ClinVar variation 1480196 (VCV001480196.7), dbSNP rs199697780, ClinGen allele CA5779959.

ClinVar aggregate classification (germline): Uncertain significance. Review status: criteria provided, multiple submitters, no conflicts (2 of 4 stars). 2 submissions from 2 submitters: Uncertain significance (2). Last evaluated 2025-08-11.

Allele frequency attached by ClinVar (database versions not stated): gnomAD 0.00001 and 0.00002; gnomAD exomes 0.00001 and 0.00002; ExAC 0.00003; TOPMed 0.00006; 1000 Genomes Project 30x 0.00016; 1000 Genomes Project 0.00020.
gnomAD v4.1: 12 of 1,612,696 alleles (0.00074%); highest among the groups gnomAD compares: East Asian, 0.011%; no homozygotes.

Submissions (2):

Ambry Genetics
Classification: Uncertain significance. Last evaluated: 2025-08-11. Review status: criteria provided, single submitter. Criteria: Ambry Variant Classification Scheme 2023. Collection method: clinical testing. Allele origin: germline.

Labcorp Genetics (formerly Invitae), Labcorp
Classification: Uncertain significance. Last evaluated: 2021-12-19. Review status: criteria provided, single submitter. Criteria: Invitae Variant Classification Sherloc (09022015). Collection method: clinical testing. Allele origin: germline.
Comment: In summary, the available evidence is currently insufficient to determine the role of this variant in disease. Therefore, it has been classified as a Variant of Uncertain Significance. This sequence change replaces threonine, which is neutral and polar, with isoleucine, which is neutral and non-polar, at codon 368 of the LRRC56 protein (p.Thr368Ile). This variant is present in population databases (rs199697780, gnomAD 0.02%). This variant has not been reported in the literature in individuals affected with LRRC56-related conditions. Algorithms developed to predict the effect of missense changes on protein structure and function output the following: SIFT: "Tolerated"; PolyPhen-2: "Benign"; Align-GVGD: "Class C0". The isoleucine amino acid residue is found in multiple mammalian species, which suggests that this missense change does not adversely affect protein function.